The following is an entry in ClinVar:

NM_000059.4(BRCA2):c.5041G>A (p.Val1681Met)

Gene: BRCA2 (BRCA2 DNA repair associated; plus strand). Cytogenetic location: 13q13.1.
Variant type: single nucleotide variant.
Coding change: c.5041G>A on transcript NM_000059.4 (MANE Select); coding-DNA position 5041, G replaced by A.
Protein change: p.Val1681Met; replaces valine 1681 with methionine.
Molecular consequence: missense variant. On other transcripts: non-coding transcript variant (1), intron variant (2).
Genome position (GRCh38, 1-based): chr13:32,339,396, G>A. VCF-style: chr13-32339396-G-A. GRCh37 (hg19) VCF-style: chr13-32913533-G-A.
Other names: c.5041G>A, p.Val1681Met (NM_001406719.1, NM_001406720.1, NM_001432077.1); c.1910-5162G>A (NM_001406721.1); c.425-5162G>A (NM_001406722.1); short protein forms V1681M.
Identifiers: ClinVar variation 3636486 (VCV003636486.2).

ClinVar aggregate classification (germline): Uncertain significance (1 of 4 stars; one submission).

Conditions:
Hereditary breast ovarian cancer syndrome. Also called: Hereditary breast and ovarian cancer syndrome; Hereditary breast and ovarian cancer syndrome (HBOC); BRCA1- and BRCA2-Associated Hereditary Breast and Ovarian Cancer; Hereditary breast and ovarian cancer; Breast and ovarian cancer; Hereditary breast and/or ovarian cancer syndrome. Identifiers: Orphanet 145, MedGen C0677776, MeSH D061325, MONDO:0003582. Disease mechanism: loss of function.

gnomAD v4.1: 1 of 1,595,860 alleles (0.000063%); highest among the groups gnomAD compares: South Asian, 0.0011%; no homozygotes.

Submission:

Labcorp Genetics (formerly Invitae), Labcorp
Classification: Uncertain significance for Hereditary breast ovarian cancer syndrome. Last evaluated: 2025-10-01. Review status: criteria provided, single submitter. Criteria: Invitae Variant Classification Sherloc (09022015). Collection method: clinical testing. Allele origin: germline.
Comment: This sequence change replaces valine, which is neutral and non-polar, with methionine, which is neutral and non-polar, at codon 1681 of the BRCA2 protein (p.Val1681Met). This variant is not present in population databases (gnomAD no frequency). This variant has not been reported in the literature in individuals affected with BRCA2-related conditions. ClinVar contains an entry for this variant (Variation ID: 3636486). Invitae Evidence Modeling of protein sequence and biophysical properties (such as structural, functional, and spatial information, amino acid conservation, physicochemical variation, residue mobility, and thermodynamic stability) indicates that this missense variant is not expected to disrupt BRCA2 protein function with a negative predictive value of 95%. In summary, the available evidence is currently insufficient to determine the role of this variant in disease. Therefore, it has been classified as a Variant of Uncertain Significance.